The following is an entry in ClinVar:

ClinVar aggregate classification (germline): Uncertain significance (1 of 4 stars; one submission).

Conditions:
Neuronal ceroid lipofuscinosis 1 (CLN1). Also called: PPT1-Related Neuronal Ceroid-Lipofuscinosis; CEROID LIPOFUSCINOSIS, NEURONAL, 1, VARIABLE AGE AT ONSET. Identifiers: Orphanet 228329, MedGen C1850451, MONDO:0009744, OMIM 256730.

gnomAD v4.1: 1 of 1,614,120 alleles (0.000062%); highest among the groups gnomAD compares: Admixed American, 0.0017%; no homozygotes.

Submission:

Labcorp Genetics (formerly Invitae), Labcorp
Classification: Uncertain significance for Neuronal ceroid lipofuscinosis 1. Last evaluated: 2022-01-15. Review status: criteria provided, single submitter. Criteria: Invitae Variant Classification Sherloc (09022015). Collection method: clinical testing. Allele origin: germline.
Comment: This variant has not been reported in the literature in individuals affected with PPT1-related conditions. This sequence change replaces phenylalanine, which is neutral and non-polar, with serine, which is neutral and polar, at codon 114 of the PPT1 protein (p.Phe114Ser). This variant is not present in population databases (gnomAD no frequency). Advanced modeling of protein sequence and biophysical properties (such as structural, functional, and spatial information, amino acid conservation, physicochemical variation, residue mobility, and thermodynamic stability) performed at Invitae indicates that this missense variant is expected to disrupt PPT1 protein function. In summary, the available evidence is currently insufficient to determine the role of this variant in disease. Therefore, it has been classified as a Variant of Uncertain Significance.

NM_000310.4(PPT1):c.341T>C (p.Phe114Ser)

Gene: PPT1 (palmitoyl-protein thioesterase 1; minus strand). Cytogenetic location: 1p34.2.
Variant type: single nucleotide variant.
Coding change: c.341T>C on transcript NM_000310.4 (MANE Select); coding-DNA position 341, T replaced by C.
Protein change: p.Phe114Ser; replaces phenylalanine 114 with serine.
Molecular consequence: missense variant. On other transcripts: intron variant (1).
Genome position (GRCh38, 1-based): chr1:40,092,066, A>G on the plus strand (T>C on the coding strand, the complement: PPT1 is on the minus strand). VCF-style: chr1-40092066-A-G. GRCh37 (hg19) VCF-style: chr1-40557738-A-G.
Other names: c.341T>C, p.Phe114Ser (NM_001363695.2); c.125-2554T>C (NM_001142604.2); short protein forms F114S.
Identifiers: ClinVar variation 1358910 (VCV001358910.7), dbSNP rs771910918, ClinGen allele CA789745.